The following is an entry in ClinVar:

NM_000350.3(ABCA4):c.5606C>T (p.Pro1869Leu)

Gene: ABCA4 (ATP binding cassette subfamily A member 4; minus strand). Cytogenetic location: 1p22.1.
Variant type: single nucleotide variant.
Coding change: c.5606C>T on transcript NM_000350.3 (MANE Select); coding-DNA position 5606, C replaced by T.
Protein change: p.Pro1869Leu; replaces proline 1869 with leucine.
Molecular consequence: missense variant.
Genome position (GRCh38, 1-based): chr1:94,010,908, G>A on the plus strand (C>T on the coding strand, the complement: ABCA4 is on the minus strand). VCF-style: chr1-94010908-G-A. GRCh37 (hg19) VCF-style: chr1-94476464-G-A.
Other names: c.5384C>T, p.Pro1795Leu (NM_001425324.1); short protein forms P1869L, P1795L.
Identifiers: ClinVar variation 236136 (VCV000236136.10), dbSNP rs376925793, ClinGen allele CA957194.

ClinVar aggregate classification (germline): Uncertain significance. Review status: criteria provided, multiple submitters, no conflicts (2 of 4 stars). 4 submissions from 4 submitters: Uncertain significance (4). Last evaluated 2025-12-06.

Conditions:
ABCA4-related disorder. Also called: ABCA4-related disorders; ABCA4-related condition. Identifiers: MedGen CN239167.
Retinal dystrophy. Also called: Inherited retinal dystrophy. Identifiers: Orphanet 71862, MedGen C0854723, MeSH D058499, MONDO:0019118, HP:0000556.

Allele frequency attached by ClinVar (database versions not stated): gnomAD exomes 0.00002 and 0.00004; ExAC 0.00004; gnomAD 0.00019; ESP Exome Variant Server 0.00008; TOPMed 0.00016.
gnomAD v4.1: 58 of 1,614,068 alleles (0.0036%); highest among the groups gnomAD compares: African/African-American, 0.051%; no homozygotes.

Submissions (4):

PreventionGenetics, part of Exact Sciences
Classification: Uncertain significance for ABCA4-related condition. Last evaluated: 2025-12-06. Review status: criteria provided, single submitter. Criteria: ACMG Guidelines, 2015. Collection method: clinical testing. Allele origin: germline.
Comment: The ABCA4 c.5606C>T variant is predicted to result in the amino acid substitution p.Pro1869Leu. This variant was reported in a large cohort of individuals with Stargardt disease (supplementary data, Schulz et al. 2017. PubMed ID: 28118664). This variant is reported in 0.056% of alleles in individuals of African descent in gnomAD. At this time, the clinical significance of this variant is uncertain due to the absence of conclusive functional and genetic evidence.

Labcorp Genetics (formerly Invitae), Labcorp
Classification: Uncertain significance. Last evaluated: 2025-11-04. Review status: criteria provided, single submitter. Criteria: Invitae Variant Classification Sherloc (09022015). Collection method: clinical testing. Allele origin: germline.
Comment: This sequence change replaces proline, which is neutral and non-polar, with leucine, which is neutral and non-polar, at codon 1869 of the ABCA4 protein (p.Pro1869Leu). This variant is present in population databases (rs376925793, gnomAD 0.06%). This missense change has been observed in individual(s) with Stargardt disease (PMID: 28118664). ClinVar contains an entry for this variant (Variation ID: 236136). Invitae Evidence Modeling of protein sequence and biophysical properties (such as structural, functional, and spatial information, amino acid conservation, physicochemical variation, residue mobility, and thermodynamic stability) indicates that this missense variant is expected to disrupt ABCA4 protein function with a positive predictive value of 95%. In summary, the available evidence is currently insufficient to determine the role of this variant in disease. Therefore, it has been classified as a Variant of Uncertain Significance.

Blueprint Genetics
Classification: Uncertain significance. Last evaluated: 2024-04-09. Review status: criteria provided, single submitter. Criteria: ACMG Guidelines, 2015. Collection method: clinical testing. Allele origin: germline.

Institute of Human Genetics, Univ. Regensburg, Univ. Regensburg
Classification: Uncertain significance for Retinal dystrophy. Last evaluated: 2016-01-01. Review status: criteria provided, single submitter. Criteria: ACMG Guidelines, 2015. Collection method: clinical testing. Allele origin: germline. Affected: yes.

Literature cited by the submitters: PubMed 28118664 (cited by Labcorp Genetics (formerly Invitae), Labcorp and Institute of Human Genetics, Univ. Regensburg, Univ. Regensburg); PubMed 31589614 (cited by Institute of Human Genetics, Univ. Regensburg, Univ. Regensburg); PubMed 31964843 (cited by Institute of Human Genetics, Univ. Regensburg, Univ. Regensburg); PubMed 34426522 (cited by Institute of Human Genetics, Univ. Regensburg, Univ. Regensburg).